The following is an entry in ClinVar:

ClinVar aggregate classification (germline): Uncertain significance (1 of 4 stars; one submission).

Conditions:
RASopathy. Also called: rasopathies; Noonan spectrum disorder. Identifiers: Orphanet 536391, MedGen C5555857, MONDO:0021060.

Allele frequency attached by ClinVar (database versions not stated): gnomAD exomes below 0.00001.
gnomAD v4.1: 1 of 1,569,324 alleles (0.000064%); highest among the groups gnomAD compares: Non-Finnish European, 0.000088%; no homozygotes.

Submission:

Labcorp Genetics (formerly Invitae), Labcorp
Classification: Uncertain significance for RASopathy. Last evaluated: 2023-11-18. Review status: criteria provided, single submitter. Criteria: Invitae Variant Classification Sherloc (09022015). Collection method: clinical testing. Allele origin: germline.
Comment: This sequence change replaces serine, which is neutral and polar, with proline, which is neutral and non-polar, at codon 433 of the SHOC2 protein (p.Ser433Pro). This variant is not present in population databases (gnomAD no frequency). This variant has not been reported in the literature in individuals affected with SHOC2-related conditions. Advanced modeling of protein sequence and biophysical properties (such as structural, functional, and spatial information, amino acid conservation, physicochemical variation, residue mobility, and thermodynamic stability) has been performed at Invitae for this missense variant, however the output from this modeling did not meet the statistical confidence thresholds required to predict the impact of this variant on SHOC2 protein function. In summary, the available evidence is currently insufficient to determine the role of this variant in disease. Therefore, it has been classified as a Variant of Uncertain Significance.

NM_007373.4(SHOC2):c.1297T>C (p.Ser433Pro)

Gene: SHOC2 (SHOC2 leucine rich repeat scaffold protein; plus strand). Cytogenetic location: 10q25.2.
Variant type: single nucleotide variant.
Coding change: c.1297T>C on transcript NM_007373.4 (MANE Select); coding-DNA position 1297, T replaced by C.
Protein change: p.Ser433Pro; replaces serine 433 with proline.
Molecular consequence: missense variant. On other transcripts: non-coding transcript variant (1).
Genome position (GRCh38, 1-based): chr10:111,009,260, T>C. VCF-style: chr10-111009260-T-C. GRCh37 (hg19) VCF-style: chr10-112769018-T-C.
Other names: c.1159T>C, p.Ser387Pro (NM_001269039.3); c.1297T>C, p.Ser433Pro (NM_001324336.2, NM_001324337.2); short protein forms S433P, S387P.
Identifiers: ClinVar variation 2987062 (VCV002987062.3), dbSNP rs2493958301, ClinGen allele CA378523879.